The following is an entry in ClinVar:

ClinVar aggregate classification (germline): Uncertain significance (1 of 4 stars; one submission).

Conditions:
Intellectual disability, autosomal recessive 53 (NEDHSCA). Also called: GLYCOSYLPHOSPHATIDYLINOSITOL BIOSYNTHESIS DEFECT 13; Mental retardation, autosomal recessive 53; NEURODEVELOPMENTAL DISORDER WITH OR WITHOUT HYPOTONIA, SEIZURES, AND CEREBELLAR ATROPHY. Identifiers: Orphanet 488635, MedGen C4310794, MONDO:0014832, OMIM 616917.

Allele frequency attached by ClinVar (database versions not stated): ExAC 0.00003; ESP Exome Variant Server 0.00008; gnomAD 0.00010; TOPMed 0.00010.
gnomAD v4.1: 117 of 1,613,772 alleles (0.0073%); highest among the groups gnomAD compares: African/African-American, 0.036%; no homozygotes.

Submission:

Labcorp Genetics (formerly Invitae), Labcorp
Classification: Uncertain significance for Intellectual disability, autosomal recessive 53. Last evaluated: 2022-08-21. Review status: criteria provided, single submitter. Criteria: Invitae Variant Classification Sherloc (09022015). Collection method: clinical testing. Allele origin: germline.
Comment: This sequence change replaces arginine, which is basic and polar, with histidine, which is basic and polar, at codon 911 of the PIGG protein (p.Arg911His). This variant is present in population databases (rs373159674, gnomAD 0.02%). This variant has not been reported in the literature in individuals affected with PIGG-related conditions. ClinVar contains an entry for this variant (Variation ID: 579566). Algorithms developed to predict the effect of missense changes on protein structure and function output the following: SIFT: "Tolerated"; PolyPhen-2: "Benign"; Align-GVGD: "Class C0". The histidine amino acid residue is found in multiple mammalian species, which suggests that this missense change does not adversely affect protein function. In summary, the available evidence is currently insufficient to determine the role of this variant in disease. Therefore, it has been classified as a Variant of Uncertain Significance.

NM_001127178.3(PIGG):c.2732G>A (p.Arg911His)

Gene: PIGG (phosphatidylinositol glycan anchor biosynthesis class G (EMM blood group); plus strand). Cytogenetic location: 4p16.3.
Variant type: single nucleotide variant.
Coding change: c.2732G>A on transcript NM_001127178.3 (MANE Select); coding-DNA position 2732, G replaced by A.
Protein change: p.Arg911His; replaces arginine 911 with histidine.
Molecular consequence: missense variant. On other transcripts: non-coding transcript variant (10).
Genome position (GRCh38, 1-based): chr4:533,978, G>A. VCF-style: chr4-533978-G-A. GRCh37 (hg19) VCF-style: chr4-527767-G-A.
Other names: c.2465G>A, p.Arg822His (NM_001289051.2, NM_001345986.2); c.2333G>A, p.Arg778His (NM_001289052.2); c.2441G>A, p.Arg814His (NM_001345987.2); c.1703G>A, p.Arg568His (NM_001345988.2); c.1199G>A, p.Arg400His (NM_001345990.2, NM_001345991.2); c.1634G>A, p.Arg545His (NM_001345994.2); c.2708G>A, p.Arg903His (NM_017733.5); short protein forms R911H, R400H, R545H, R903H, R568H, R778H, R814H, R822H.
Identifiers: ClinVar variation 579566 (VCV000579566.5), dbSNP rs373159674, ClinGen allele CA2793723.